The following is an entry in ClinVar:

ClinVar aggregate classification (germline): Uncertain significance (1 of 4 stars; one submission).

Conditions:
Inborn genetic diseases. Identifiers: MedGen C0950123, MeSH D030342.

Submission:

Ambry Genetics
Classification: Uncertain significance for Inborn genetic diseases. Last evaluated: 2025-08-19. Review status: criteria provided, single submitter. Criteria: Ambry Variant Classification Scheme 2023. Collection method: clinical testing. Allele origin: germline.
Comment: The p.Y271H variant (also known as c.811T>C), located in coding exon 1 of the SAMD9 gene, results from a T to C substitution at nucleotide position 811. The tyrosine at codon 271 is replaced by histidine, an amino acid with similar properties. This amino acid position is conserved. In addition, this alteration is predicted to be tolerated by in silico analysis. Based on the available evidence, the clinical significance of this variant remains unclear.

NM_017654.4(SAMD9):c.811T>C (p.Tyr271His)

Gene: SAMD9 (sterile alpha motif domain containing 9; minus strand). Cytogenetic location: 7q21.2.
Variant type: single nucleotide variant.
Coding change: c.811T>C on transcript NM_017654.4 (MANE Select); coding-DNA position 811, T replaced by C.
Protein change: p.Tyr271His; replaces tyrosine 271 with histidine.
Molecular consequence: missense variant.
Genome position (GRCh38, 1-based): chr7:93,105,287, A>G on the plus strand (T>C on the coding strand, the complement: SAMD9 is on the minus strand). VCF-style: chr7-93105287-A-G. GRCh37 (hg19) VCF-style: chr7-92734600-A-G.
Other names: c.811T>C, p.Tyr271His (NM_001193307.2); short protein forms Y271H.
Identifiers: ClinVar variation 4159164 (VCV004159164.1).